The following is an entry in ClinVar:

ClinVar aggregate classification (germline): Uncertain significance. Review status: criteria provided, multiple submitters, no conflicts (2 of 4 stars). 3 submissions from 3 submitters: Uncertain significance (3). Last evaluated 2025-11-22.

Conditions:
Hereditary cancer-predisposing syndrome. Also called: Neoplastic Syndromes, Hereditary; Tumor predisposition; Hereditary Cancer Syndrome; Hereditary neoplastic syndrome. Identifiers: Orphanet 140162, MedGen C0027672, MeSH D009386, MONDO:0015356.
Ataxia-telangiectasia-like disorder (ATLD). Identifiers: MedGen C1858391, MONDO:0011457.

Allele frequency attached by ClinVar (database versions not stated): gnomAD exomes below 0.00001 and 0.00001; gnomAD 0.00001; ExAC 0.00002; 1000 Genomes Project 30x 0.00016; 1000 Genomes Project 0.00020.
gnomAD v4.1: 3 of 1,613,874 alleles (0.00019%); highest among the groups gnomAD compares: African/African-American, 0.0013%; no homozygotes.

Submissions (3):

Ambry Genetics
Classification: Uncertain significance for Hereditary cancer-predisposing syndrome. Last evaluated: 2025-11-22. Review status: criteria provided, single submitter. Criteria: Ambry Variant Classification Scheme 2023. Collection method: clinical testing. Allele origin: germline.
Comment: The p.D498N variant (also known as c.1492G>A), located in coding exon 12 of the MRE11A gene, results from a G to A substitution at nucleotide position 1492. The aspartic acid at codon 498 is replaced by asparagine, an amino acid with highly similar properties. This amino acid position is highly conserved in available vertebrate species. In addition, this alteration is predicted to be tolerated by in silico analysis. Since supporting evidence is limited at this time, the clinical significance of this alteration remains unclear.

Quest Diagnostics Nichols Institute San Juan Capistrano
Classification: Uncertain significance. Last evaluated: 2025-07-23. Review status: criteria provided, single submitter. Criteria: Quest Diagnostics criteria. Collection method: clinical testing. Allele origin: unknown.

Labcorp Genetics (formerly Invitae), Labcorp
Classification: Uncertain significance for Ataxia-telangiectasia-like disorder. Last evaluated: 2023-11-02. Review status: criteria provided, single submitter. Criteria: Invitae Variant Classification Sherloc (09022015). Collection method: clinical testing. Allele origin: germline.
Comment: This sequence change replaces aspartic acid, which is acidic and polar, with asparagine, which is neutral and polar, at codon 498 of the MRE11 protein (p.Asp498Asn). This variant is present in population databases (rs564511708, gnomAD 0.007%). This missense change has been observed in individual(s) with ovarian cancer (PMID: 37013556). ClinVar contains an entry for this variant (Variation ID: 230726). An algorithm developed to predict the effect of missense changes on protein structure and function (PolyPhen-2) suggests that this variant is likely to be tolerated. In summary, the available evidence is currently insufficient to determine the role of this variant in disease. Therefore, it has been classified as a Variant of Uncertain Significance.

Literature cited by the submitters: PubMed 37013556 (cited by Labcorp Genetics (formerly Invitae), Labcorp).

NM_005591.4(MRE11):c.1492G>A (p.Asp498Asn)

Gene: MRE11 (MRE11 double strand break repair nuclease; minus strand). Cytogenetic location: 11q21.
Variant type: single nucleotide variant.
Coding change: c.1492G>A on transcript NM_005591.4 (MANE Select); coding-DNA position 1492, G replaced by A.
Protein change: p.Asp498Asn; replaces aspartic acid 498 with asparagine.
Molecular consequence: missense variant.
Genome position (GRCh38, 1-based): chr11:94,459,416, C>T on the plus strand (G>A on the coding strand, the complement: MRE11 is on the minus strand). VCF-style: chr11-94459416-C-T. GRCh37 (hg19) VCF-style: chr11-94192582-C-T.
Other names: c.1492G>A, p.Asp498Asn (NM_001330347.2, NM_005590.4); short protein forms D498N.
Identifiers: ClinVar variation 230726 (VCV000230726.13), dbSNP rs564511708, ClinGen allele CA6235072.